The following is an entry in ClinVar:

ClinVar aggregate classification (germline): Uncertain significance. Review status: criteria provided, multiple submitters, no conflicts (2 of 4 stars). 7 submissions from 7 submitters: Uncertain significance (6). 1 of the submissions does not count toward it. Last evaluated 2026-05-11.

Conditions:
Meckel-Gruber syndrome. Also called: DYSENCEPHALIA SPLANCHNOCYSTICA; GRUBER SYNDROME; Dysencephalia splachnocystica. Identifiers: Orphanet 564, MedGen C0265215, MONDO:0018921.
Joubert syndrome. Also called: Familial aplasia of the vermis; JOUBERT-BOLTSHAUSER SYNDROME. Identifiers: Orphanet 475, MedGen C5979921, MONDO:0018772.
Nephronophthisis. Also called: Juvenile Nephronophthisis. Identifiers: Orphanet 655, MedGen C0687120, MONDO:0019005, HP:0000090.
Leber congenital amaurosis 10 (LCA10). Identifiers: Orphanet 65, MedGen C1857821, MONDO:0012723, OMIM 611755.
Meckel syndrome, type 4 (MKS4). Also called: MECKEL-GRUBER SYNDROME, TYPE 4. Identifiers: Orphanet 564, MedGen C1970161, MONDO:0012626, OMIM 611134.
Joubert syndrome 5 (JBTS5). Identifiers: Orphanet 2318, MedGen C1857780, MONDO:0012432, OMIM 610188.
Senior-Loken syndrome 6 (SLSN6). Identifiers: Orphanet 3156, MedGen C1857779, MONDO:0012433, OMIM 610189.
Bardet-Biedl syndrome 14 (BBS14). Identifiers: Orphanet 110, MedGen C2673874, MONDO:0014442, OMIM 615991.
Leber congenital amaurosis (LCA). Also called: Leber's amaurosis. Identifiers: Orphanet 65, MedGen C0339527, MeSH D057130, MONDO:0018998.
CEP290-related disorder. Also called: CEP290-related disorders; CEP290-related condition. Identifiers: MedGen CN239314.

Allele frequency attached by ClinVar (database versions not stated): ExAC 0.00004; gnomAD 0.00004 and 0.00005; gnomAD exomes 0.00004 and 0.00009; TOPMed 0.00004.
gnomAD v4.1: 62 of 1,538,862 alleles (0.004%); highest among the groups gnomAD compares: East Asian, 0.044%; no homozygotes.

Submissions (7):

PreventionGenetics, part of Exact Sciences
Classification: Uncertain significance for CEP290-related condition. Last evaluated: 2026-05-11. Review status: criteria provided, single submitter. Criteria: ACMG Guidelines, 2015. Collection method: clinical testing. Allele origin: germline.
Comment: The CEP290 c.1945G>A variant is predicted to result in the amino acid substitution p.Glu649Lys. To our knowledge, this variant has not been reported in the literature. This variant is reported in 0.042% of alleles in individuals of East Asian descent in gnomAD. At this time, the clinical significance of this variant is uncertain due to the absence of conclusive functional and genetic evidence.

Blueprint Genetics
Classification: Uncertain significance. Last evaluated: 2024-04-30. Review status: criteria provided, single submitter. Criteria: ACMG Guidelines, 2015. Collection method: clinical testing. Allele origin: germline.

Fulgent Genetics
Classification: Uncertain significance for Joubert syndrome 5; Senior-Loken syndrome 6; Meckel syndrome, type 4; Leber congenital amaurosis 10; Bardet-Biedl syndrome 14. Last evaluated: 2024-03-29. Review status: criteria provided, single submitter. Criteria: ACMG Guidelines, 2015. Collection method: clinical testing. Allele origin: germline.

Labcorp Genetics (formerly Invitae), Labcorp
Classification: Uncertain significance for Joubert syndrome; Meckel-Gruber syndrome; Nephronophthisis. Last evaluated: 2022-09-27. Review status: criteria provided, single submitter. Criteria: Invitae Variant Classification Sherloc (09022015). Collection method: clinical testing. Allele origin: germline.
Comment: This sequence change replaces glutamic acid, which is acidic and polar, with lysine, which is basic and polar, at codon 649 of the CEP290 protein (p.Glu649Lys). This variant is present in population databases (rs761705359, gnomAD 0.04%). This variant has not been reported in the literature in individuals affected with CEP290-related conditions. ClinVar contains an entry for this variant (Variation ID: 964757). Advanced modeling of protein sequence and biophysical properties (such as structural, functional, and spatial information, amino acid conservation, physicochemical variation, residue mobility, and thermodynamic stability) performed at Invitae indicates that this missense variant is not expected to disrupt CEP290 protein function. Algorithms developed to predict the effect of sequence changes on RNA splicing suggest that this variant may disrupt the consensus splice site. In summary, the available evidence is currently insufficient to determine the role of this variant in disease. Therefore, it has been classified as a Variant of Uncertain Significance.

GeneDx
Classification: Uncertain significance. Last evaluated: 2022-03-27. Review status: criteria provided, single submitter. Criteria: GeneDx Variant Classification Process June 2021. Collection method: clinical testing. Allele origin: germline. Affected: yes.
Comment: In silico analysis supports that this missense variant does not alter protein structure/function; Has not been previously published as pathogenic or benign to our knowledge; In-silico analysis is inconclusive as to whether the variant alters gene splicing. In the absence of RNA/functional studies, the actual effect of this sequence change is unknown.

Juno Genomics, Hangzhou Juno Genomics, Inc
Classification: Uncertain significance for Senior-Loken syndrome 6; Bardet-Biedl syndrome 14; Joubert syndrome 5; Leber congenital amaurosis 10; Meckel syndrome, type 4. Review status: criteria provided, single submitter. Criteria: ACMG Guidelines, 2015. Collection method: clinical testing. Allele origin: germline.
Comment: Absent from controls (or at extremely low frequency if recessive) in Genome Aggregation Database.;Multiple lines of computational evidence support a deleterious effect on the gene or gene product.

Natera, Inc.
Classification: Uncertain significance for Leber congenital amaurosis. Last evaluated: 2020-04-17. Review status: no assertion criteria provided. Collection method: clinical testing. Allele origin: germline. Not counted in ClinVar's aggregate classification.

NM_025114.4(CEP290):c.1945G>A (p.Glu649Lys)

Gene: CEP290 (centrosomal protein 290; minus strand). Cytogenetic location: 12q21.32.
Variant type: single nucleotide variant.
Coding change: c.1945G>A on transcript NM_025114.4 (MANE Select); coding-DNA position 1945, G replaced by A.
Protein change: p.Glu649Lys; replaces glutamic acid 649 with lysine.
Molecular consequence: missense variant.
Genome position (GRCh38, 1-based): chr12:88,114,527, C>T on the plus strand (G>A on the coding strand, the complement: CEP290 is on the minus strand). VCF-style: chr12-88114527-C-T. GRCh37 (hg19) VCF-style: chr12-88508304-C-T.
Other names: short protein forms E649K.
Identifiers: ClinVar variation 964757 (VCV000964757.15), dbSNP rs761705359, ClinGen allele CA6712426.